The following is an entry in ClinVar:

NM_001271.4(CHD2):c.239C>A (p.Pro80Gln)

Gene: CHD2 (chromodomain helicase DNA binding protein 2; plus strand). Cytogenetic location: 15q26.1.
Variant type: single nucleotide variant.
Coding change: c.239C>A on transcript NM_001271.4 (MANE Select); coding-DNA position 239, C replaced by A.
Protein change: p.Pro80Gln; replaces proline 80 with glutamine.
Molecular consequence: missense variant.
Genome position (GRCh38, 1-based): chr15:92,924,497, C>A. VCF-style: chr15-92924497-C-A. GRCh37 (hg19) VCF-style: chr15-93467727-C-A.
Other names: c.239C>A, p.Pro80Gln (NM_001042572.3); short protein forms P80Q.
Identifiers: ClinVar variation 2750403 (VCV002750403.3), dbSNP rs186163798, ClinGen allele CA393896381.
Genomic context (GRCh38, chr15:92,924,497, plus strand): 5'-CTGAGAGTCAGTCGGAATCTGAGAGCGAATCAGCAGGTTCCAAATCCCAGCCAGTCCTCC[C>A]AGAAGCCAAAGAGAAGCCAGCCTCTAAGAAGGAACGGATAGCTGATGTGAAGAAGGTATC-3'
Protein context (NP_001262.3, residues 70-90): SAGSKSQPVL[Pro80Gln]EAKEKPASKK

ClinVar aggregate classification (germline): Uncertain significance (1 of 4 stars; one submission).

Conditions:
Developmental and epileptic encephalopathy 94 (DEE94). Also called: Epileptic encephalopathy, childhood-onset; CHD2-Related Neurodevelopmental Disorders. Identifiers: Orphanet 1942, Orphanet 2382, MedGen C3809278, MONDO:0014150, OMIM 615369.

Submission:

Labcorp Genetics (formerly Invitae), Labcorp
Classification: Uncertain significance for Developmental and epileptic encephalopathy 94. Last evaluated: 2023-08-05. Review status: criteria provided, single submitter. Criteria: Invitae Variant Classification Sherloc (09022015). Collection method: clinical testing. Allele origin: germline.
Comment: This sequence change replaces proline, which is neutral and non-polar, with glutamine, which is neutral and polar, at codon 80 of the CHD2 protein (p.Pro80Gln). This variant is not present in population databases (gnomAD no frequency). This variant has not been reported in the literature in individuals affected with CHD2-related conditions. Advanced modeling of protein sequence and biophysical properties (such as structural, functional, and spatial information, amino acid conservation, physicochemical variation, residue mobility, and thermodynamic stability) performed at Invitae indicates that this missense variant is not expected to disrupt CHD2 protein function. In summary, the available evidence is currently insufficient to determine the role of this variant in disease. Therefore, it has been classified as a Variant of Uncertain Significance.